The following is an entry in ClinVar:

NM_001098426.2(SMARCD2):c.448C>T (p.Arg150Trp)

Gene: SMARCD2 (SWI/SNF related BAF chromatin remodeling complex subunit D2; minus strand). Cytogenetic location: 17q23.3.
Variant type: single nucleotide variant.
Coding change: c.448C>T on transcript NM_001098426.2 (MANE Select); coding-DNA position 448, C replaced by T.
Protein change: p.Arg150Trp; replaces arginine 150 with tryptophan.
Molecular consequence: missense variant.
Genome position (GRCh38, 1-based): chr17:63,837,041, G>A on the plus strand (C>T on the coding strand, the complement: SMARCD2 is on the minus strand). VCF-style: chr17-63837041-G-A. GRCh37 (hg19) VCF-style: chr17-61914401-G-A.
Other names: c.223C>T, p.Arg75Trp (NM_001330439.1); c.304C>T, p.Arg102Trp (NM_001330440.2); c.448C>T (NM_001098426.1); short protein forms R150W, R75W, R102W.
Identifiers: ClinVar variation 1377308 (VCV001377308.7), dbSNP rs778971643, ClinGen allele CA8706480.

ClinVar aggregate classification (germline): Uncertain significance. Review status: criteria provided, multiple submitters, no conflicts (2 of 4 stars). 3 submissions from 3 submitters: Uncertain significance (3). Last evaluated 2025-01-02.

Conditions:
SMARCD2-related disorder. Also called: SMARCD2-related condition.

Allele frequency attached by ClinVar (database versions not stated): TOPMed 0.00002; gnomAD 0.00003 and 0.00002; gnomAD exomes 0.00004 and 0.00008; ExAC 0.00011.

Submissions (3):

PreventionGenetics, part of Exact Sciences
Classification: Uncertain significance for SMARCD2-related condition. Last evaluated: 2025-01-02. Review status: criteria provided, single submitter. Criteria: ACMG Guidelines, 2015. Collection method: clinical testing. Allele origin: germline.
Comment: The SMARCD2 c.448C>T variant is predicted to result in the amino acid substitution p.Arg150Trp. This variant was reported in an individual with a neurodevelopmental disorder (Supplementary Table 1, Valencia et al. 2023. PubMed ID: 37500730). This variant is reported in 0.016% of alleles in individuals of European (Finnish) descent in gnomAD. At this time, the clinical significance of this variant is uncertain due to the absence of conclusive functional and genetic evidence.

Blueprint Genetics
Classification: Uncertain significance. Last evaluated: 2024-11-04. Review status: criteria provided, single submitter. Criteria: ACMG Guidelines, 2015. Collection method: clinical testing. Allele origin: germline.

Labcorp Genetics (formerly Invitae), Labcorp
Classification: Uncertain significance. Last evaluated: 2022-07-19. Review status: criteria provided, single submitter. Criteria: Invitae Variant Classification Sherloc (09022015). Collection method: clinical testing. Allele origin: germline.
Comment: This sequence change replaces arginine, which is basic and polar, with tryptophan, which is neutral and slightly polar, at codon 150 of the SMARCD2 protein (p.Arg150Trp). This variant is present in population databases (rs778971643, gnomAD 0.02%). This variant has not been reported in the literature in individuals affected with SMARCD2-related conditions. ClinVar contains an entry for this variant (Variation ID: 1377308). Algorithms developed to predict the effect of missense changes on protein structure and function (SIFT, PolyPhen-2, Align-GVGD) all suggest that this variant is likely to be disruptive. In summary, the available evidence is currently insufficient to determine the role of this variant in disease. Therefore, it has been classified as a Variant of Uncertain Significance.